The following is an entry in ClinVar:

NM_001100913.3(PACS2):c.2576A>G (p.Gln859Arg)

Gene: PACS2 (phosphofurin acidic cluster sorting protein 2; plus strand). Cytogenetic location: 14q32.33.
Variant type: single nucleotide variant.
Coding change: c.2576A>G on transcript NM_001100913.3 (MANE Select); coding-DNA position 2576, A replaced by G.
Protein change: p.Gln859Arg; replaces glutamine 859 with arginine.
Molecular consequence: missense variant.
Genome position (GRCh38, 1-based): chr14:105,393,315, A>G. VCF-style: chr14-105393315-A-G. GRCh37 (hg19) VCF-style: chr14-105859652-A-G.
Other names: c.2306A>G, p.Gln769Arg (NM_001243127.3); c.2531A>G, p.Gln844Arg (NM_015197.4); short protein forms Q769R, Q844R, Q859R.
Identifiers: ClinVar variation 2577592 (VCV002577592.1), dbSNP rs1204919222, ClinGen allele CA391189857.

ClinVar aggregate classification (germline): Uncertain significance (1 of 4 stars; one submission).

Allele frequency attached by ClinVar (database versions not stated): TOPMed below 0.00001; gnomAD 0.00001.
gnomAD v4.1: 1 of 1,611,158 alleles (0.000062%); highest among the groups gnomAD compares: Non-Finnish European, 0.000085%; no homozygotes.

Submission:

GeneDx
Classification: Uncertain significance. Last evaluated: 2023-08-23. Review status: criteria provided, single submitter. Criteria: GeneDx Variant Classification Process June 2021. Collection method: clinical testing. Allele origin: germline. Affected: yes.
Comment: Not observed at significant frequency in large population cohorts (gnomAD); In silico analysis supports that this missense variant does not alter protein structure/function; Has not been previously published as pathogenic or benign to our knowledge